The following is an entry in ClinVar:

ClinVar aggregate classification (germline): Conflicting classifications of pathogenicity. Review status: criteria provided, conflicting classifications (1 of 4 stars). 4 submissions from 4 submitters: Uncertain significance (3); Likely benign (1). Last evaluated 2024-10-21.

Conditions:
Inborn genetic diseases. Identifiers: MedGen C0950123, MeSH D030342.
Congenital myasthenic syndrome 8. Also called: MYASTHENIC SYNDROME, CONGENITAL, DUE TO AGRIN DEFICIENCY; Myasthenic syndrome, congenital, 8, with pre- and postsynaptic defects. Identifiers: Orphanet 590, MedGen C3808739, MONDO:0014052, OMIM 615120.

Allele frequency attached by ClinVar (database versions not stated): ExAC 0.00005; gnomAD exomes 0.00007; ESP Exome Variant Server 0.00008; gnomAD 0.00008 and 0.00009; TOPMed 0.00008.

Submissions (4):

Labcorp Genetics (formerly Invitae), Labcorp
Classification: Uncertain significance for Congenital myasthenic syndrome 8. Last evaluated: 2024-10-21. Review status: criteria provided, single submitter. Criteria: Invitae Variant Classification Sherloc (09022015). Collection method: clinical testing. Allele origin: germline.
Comment: This sequence change replaces threonine, which is neutral and polar, with methionine, which is neutral and non-polar, at codon 769 of the AGRN protein (p.Thr769Met). This variant is present in population databases (rs148837216, gnomAD 0.02%). This variant has not been reported in the literature in individuals affected with AGRN-related conditions. ClinVar contains an entry for this variant (Variation ID: 498628). An algorithm developed to predict the effect of missense changes on protein structure and function outputs the following: PolyPhen-2: "Benign". The methionine amino acid residue is found in multiple mammalian species, which suggests that this missense change does not adversely affect protein function. In summary, the available evidence is currently insufficient to determine the role of this variant in disease. Therefore, it has been classified as a Variant of Uncertain Significance.

GeneDx
Classification: Uncertain significance. Last evaluated: 2023-12-15. Review status: criteria provided, single submitter. Criteria: GeneDx Variant Classification Process June 2021. Collection method: clinical testing. Allele origin: germline. Affected: yes.
Comment: In silico analysis supports that this missense variant has a deleterious effect on protein structure/function; Has not been previously published as pathogenic or benign to our knowledge

Ambry Genetics
Classification: Likely benign for Inborn genetic diseases. Last evaluated: 2021-10-05. Review status: criteria provided, single submitter. Criteria: Ambry Variant Classification Scheme 2023. Collection method: clinical testing. Allele origin: germline.

Eurofins Ntd Llc (ga)
Classification: Uncertain significance. Last evaluated: 2016-11-14. Review status: criteria provided, single submitter. Criteria: EGL Classification Definitions 2015. Collection method: clinical testing. Allele origin: germline. Observed: 2 variant alleles, 2 heterozygotes.

NM_198576.4(AGRN):c.2306C>T (p.Thr769Met)

Gene: AGRN (agrin; plus strand). Cytogenetic location: 1p36.33.
Variant type: single nucleotide variant.
Coding change: c.2306C>T on transcript NM_198576.4 (MANE Select); coding-DNA position 2306, C replaced by T.
Protein change: p.Thr769Met; replaces threonine 769 with methionine.
Molecular consequence: missense variant.
Genome position (GRCh38, 1-based): chr1:1,045,212, C>T. VCF-style: chr1-1045212-C-T. GRCh37 (hg19) VCF-style: chr1-980592-C-T.
Other names: c.2306C>T, p.Thr769Met (NM_001305275.2); c.1991C>T, p.Thr664Met (NM_001364727.2); c.2306C>T (NM_198576.3); short protein forms T769M, T664M.
Identifiers: ClinVar variation 498628 (VCV000498628.10), dbSNP rs148837216, ClinGen allele CA508575.